The following is an entry in ClinVar:

ClinVar aggregate classification (germline): Uncertain significance (1 of 4 stars; one submission).

Conditions:
Intellectual disability-severe speech delay-mild dysmorphism syndrome (IDDLA). Also called: Mental retardation with language impairment and autistic features; Intellectual developmental disorder with language impairment AND with or without autistic features; FOXP1 Syndrome. Identifiers: Orphanet 391372, MedGen C4013764, MONDO:0013352, OMIM 613670.

Submission:

Neuberg Centre For Genomic Medicine, NCGM
Classification: Uncertain significance for Intellectual disability-severe speech delay-mild dysmorphism syndrome. Review status: criteria provided, single submitter. Criteria: ACMG Guidelines, 2015. Collection method: clinical testing. Allele origin: germline. Inheritance: Autosomal dominant inheritance. Affected: yes.
Comment: This variant has not been reported previously in literature. For these reasons, this variant has been classified as Uncertain Significance

NM_001349338.3(FOXP1):c.407T>G (p.Leu136Arg)

Gene: FOXP1 (forkhead box P1; minus strand). Cytogenetic location: 3p13.
Variant type: single nucleotide variant.
Coding change: c.407T>G on transcript NM_001349338.3 (MANE Select); coding-DNA position 407, T replaced by G.
Protein change: p.Leu136Arg; replaces leucine 136 with arginine.
Molecular consequence: missense variant. On other transcripts: non-coding transcript variant (2), intron variant (1).
Genome position (GRCh38, 1-based): chr3:71,053,649, A>C on the plus strand (T>G on the coding strand, the complement: FOXP1 is on the minus strand). VCF-style: chr3-71053649-A-C. GRCh37 (hg19) VCF-style: chr3-71102800-A-C.
Other names: c.407T>G, p.Leu136Arg (NM_001244808.3, NM_001244810.2, NM_001244814.3 and 4 more transcripts); c.107T>G, p.Leu36Arg (NM_001244813.3, NM_001244815.2, NM_001349337.2 and 4 more transcripts); c.283-6554T>G (NM_001244812.3); short protein forms L136R, L36R.
Identifiers: ClinVar variation 4086174 (VCV004086174.1).